The following is an entry in ClinVar:

ClinVar aggregate classification (germline): Uncertain significance (1 of 4 stars; one submission).

Allele frequency attached by ClinVar (database versions not stated): TOPMed below 0.00001.
gnomAD v4.1: 16 of 1,612,750 alleles (0.00099%); highest among the groups gnomAD compares: Non-Finnish European, 0.0014%; no homozygotes.

Submission:

Labcorp Genetics (formerly Invitae), Labcorp
Classification: Uncertain significance. Last evaluated: 2023-06-22. Review status: criteria provided, single submitter. Criteria: Invitae Variant Classification Sherloc (09022015). Collection method: clinical testing. Allele origin: germline.
Comment: This sequence change falls in intron 25 of the MYO7A gene. It does not directly change the encoded amino acid sequence of the MYO7A protein. It affects a nucleotide within the consensus splice site. This variant is not present in population databases (gnomAD no frequency). This variant has not been reported in the literature in individuals affected with MYO7A-related conditions. ClinVar contains an entry for this variant (Variation ID: 2179254). Variants that disrupt the consensus splice site are a relatively common cause of aberrant splicing (PMID: 17576681, 9536098). Algorithms developed to predict the effect of sequence changes on RNA splicing suggest that this variant may disrupt the consensus splice site. In summary, the available evidence is currently insufficient to determine the role of this variant in disease. Therefore, it has been classified as a Variant of Uncertain Significance.

Literature cited by the submitters: PubMed 17576681; PubMed 9536098.

NM_000260.4(MYO7A):c.3285+5G>T

Gene: MYO7A (myosin VIIA; plus strand). Cytogenetic location: 11q13.5.
Variant type: single nucleotide variant.
Coding change: c.3285+5G>T on transcript NM_000260.4 (MANE Select); 5 bases into the intron after coding-DNA position 3285, G replaced by T.
Molecular consequence: intron variant.
Genome position (GRCh38, 1-based): chr11:77,182,605, G>T. VCF-style: chr11-77182605-G-T. GRCh37 (hg19) VCF-style: chr11-76893650-G-T.
Other names: c.3252+5G>T (NM_001369365.1); c.3285+5G>T (NM_001127180.2).
Identifiers: ClinVar variation 2179254 (VCV002179254.4), dbSNP rs1485463821, ClinGen allele CA680371882.